The following is an entry in ClinVar:

NM_013275.6(ANKRD11):c.6786_6787insA (p.Pro2263fs)

Gene: ANKRD11 (ankyrin repeat domain 11; minus strand). Cytogenetic location: 16q24.3.
Variant type: Insertion.
Coding change: c.6786_6787insA on transcript NM_013275.6 (MANE Select); coding-DNA positions 6786 to 6787, A inserted.
Protein change: p.Pro2263fs; shifts the reading frame from proline 2263.
Molecular consequence: frameshift variant.
Genome position: GRCh38 VCF-style: chr16-89279755-G-GT. GRCh37 (hg19) VCF-style: chr16-89346163-G-GT.
Other names: c.6786_6787insA, p.Pro2263fs (NM_001256182.2, NM_001256183.2); short protein forms P2263fs.
Identifiers: ClinVar variation 431147 (VCV000431147.3), dbSNP rs1135401815, ClinGen allele CA645373063.

ClinVar aggregate classification (germline): Pathogenic (1 of 4 stars; one submission).

Conditions:
KBG syndrome (KBGS). Also called: ANKRD11-Related KBG Syndrome. Identifiers: Orphanet 2332, MedGen C0220687, MONDO:0007846, OMIM 148050.

Submission:

Groupe Hospitalier Pitie Salpetriere, Uf Genomique Du Developpement, Assistance Publique Hopitaux de Paris Sorbonne Université
Classification: Pathogenic for KBG syndrome. Last evaluated: 2017-01-06. Review status: criteria provided, single submitter. Criteria: ACMG Guidelines, 2015. Collection method: clinical testing. Allele origin: paternal. Affected: yes. Observed: 2 variant alleles.
Comment: Intellectual disability, mild; short stature; hypermetropia; dysmorphism; short digits; cyphoscoliosis.

Literature cited by the submitters: PubMed 28708303.